The following is an entry in ClinVar:

NM_020719.3(PRR12):c.1223del (p.Pro408fs)

Gene: PRR12 (proline rich 12; plus strand). Cytogenetic location: 19q13.33.
Variant type: Deletion.
Coding change: c.1223del on transcript NM_020719.3 (MANE Select); coding-DNA position 1223, one base deleted (C; older notation c.1223delC).
Protein change: p.Pro408fs; shifts the reading frame from proline 408.
Molecular consequence: frameshift variant.
Genome position (GRCh38, 1-based): chr19:49,595,558, C deleted; the last of 8 consecutive C bases (chr19:49,595,551-49,595,558); deleting any one gives the same sequence. VCF-style (leftmost placement, unchanged base first): chr19-49595550-GC-G. GRCh37 (hg19) VCF-style: chr19-50098807-GC-G.
Other names: short protein forms P408fs.
Identifiers: ClinVar variation 3384358 (VCV003384358.2).

ClinVar aggregate classification (germline): Pathogenic/Likely pathogenic. Review status: criteria provided, multiple submitters, no conflicts (2 of 4 stars). 2 submissions from 2 submitters: Pathogenic (1); Likely pathogenic (1). Last evaluated 2025-11-09.

Conditions:
Neuroocular syndrome 1 (NOC1). Identifiers: Orphanet 659904, MedGen C5925133, MONDO:0971007, OMIM 619539.

Submissions (2):

Variantyx, Inc.
Classification: Likely pathogenic for Neuroocular syndrome 1. Last evaluated: 2025-11-09. Review status: criteria provided, single submitter. Criteria: Variantyx Assertion Criteria 2022. Collection method: clinical testing. Allele origin: de novo. Inheritance: Autosomal dominant inheritance. Affected: yes.
Comment: This is a frameshift variant in the PRR12 gene (OMIM: 616633). Pathogenic variants in this gene have been associated with autosomal dominant neuroocular syndrome. The alteration introduces a premature termination codon in exon 4 out of 14 and is expected to result in loss of function, which is a known disease mechanism for PRR12 in this disorder (PVS1) (PMID:33824499). This variant has a 0.0079% maximum allele frequency in non-founder control populations. Based on the current evidence, this variant is classified as likely pathogenic for autosomal dominant neuroocular syndrome.

GeneDx
Classification: Pathogenic. Last evaluated: 2024-06-03. Review status: criteria provided, single submitter. Criteria: GeneDx Variant Classification Process June 2021. Collection method: clinical testing. Allele origin: germline. Affected: yes.
Comment: Frameshift variant predicted to result in protein truncation or nonsense mediated decay in a gene for which loss of function is a known mechanism of disease; Has not been previously published as pathogenic or benign to our knowledge; This variant is associated with the following publications: (PMID: 29556724)

Literature cited by the submitters: PubMed 33824499 (cited by Variantyx, Inc.).